The following is an entry in ClinVar:

ClinVar aggregate classification (germline): Benign. Review status: criteria provided, multiple submitters, no conflicts (2 of 4 stars). 2 submissions from 2 submitters: Benign (2). Last evaluated 2018-06-19.

Allele frequency attached by ClinVar (database versions not stated): gnomAD exomes 0.01661; gnomAD 0.05073 and 0.05205; TOPMed 0.05830; 1000 Genomes Project 30x 0.06871; 1000 Genomes Project 0.06929.
gnomAD v4.1: 21,724 of 972,566 alleles (2.2%); highest among the groups gnomAD compares: African/African-American, 14%; 1,026 homozygotes.

Submissions (2):

GeneDx
Classification: Benign. Last evaluated: 2018-06-19. Review status: criteria provided, single submitter. Criteria: GeneDx Variant Classification (06012015). Collection method: clinical testing. Allele origin: germline. Affected: yes.
Comment: This variant is considered likely benign or benign based on one or more of the following criteria: it is a conservative change, it occurs at a poorly conserved position in the protein, it is predicted to be benign by multiple in silico algorithms, and/or has population frequency not consistent with disease.

Breakthrough Genomics
Classification: Benign. Review status: criteria provided, single submitter. Criteria: ACMG Guidelines, 2015. Collection method: not provided. Allele origin: germline. Inheritance: Autosomal dominant inheritance. Affected: yes.

NM_000093.5(COL5A1):c.4446+134A>C

Gene: COL5A1 (collagen type V alpha 1 chain; plus strand). Cytogenetic location: 9q34.3.
Variant type: single nucleotide variant.
Coding change: c.4446+134A>C on transcript NM_000093.5 (MANE Select); 134 bases into the intron after coding-DNA position 4446, A replaced by C.
Molecular consequence: intron variant.
Genome position (GRCh38, 1-based): chr9:134,819,187, A>C. VCF-style: chr9-134819187-A-C. GRCh37 (hg19) VCF-style: chr9-137711033-A-C.
Other names: c.4446+134A>C (NM_001278074.1).
Identifiers: ClinVar variation 674321 (VCV000674321.2), dbSNP rs9696591, ClinGen allele CA201097158.